The following is an entry in ClinVar:

ClinVar aggregate classification (germline): Uncertain significance (1 of 4 stars; one submission).

Conditions:
Loeys-Dietz syndrome 4 (LDS4). Also called: ANEURYSM, AORTIC AND CEREBRAL, WITH ARTERIAL TORTUOSITY AND SKELETAL MANIFESTATIONS; TGFB2-Related Loeys-Dietz Syndrome. Identifiers: MedGen C3553762, MONDO:0013897, OMIM 614816.

Submission:

Labcorp Genetics (formerly Invitae), Labcorp
Classification: Uncertain significance for Loeys-Dietz syndrome 4. Last evaluated: 2024-10-20. Review status: criteria provided, single submitter. Criteria: Invitae Variant Classification Sherloc (09022015). Collection method: clinical testing. Allele origin: germline.
Comment: This sequence change replaces valine, which is neutral and non-polar, with isoleucine, which is neutral and non-polar, at codon 103 of the TGFB2 protein (p.Val103Ile). This variant is not present in population databases (gnomAD no frequency). This variant has not been reported in the literature in individuals affected with TGFB2-related conditions. Invitae Evidence Modeling of protein sequence and biophysical properties (such as structural, functional, and spatial information, amino acid conservation, physicochemical variation, residue mobility, and thermodynamic stability) indicates that this missense variant is not expected to disrupt TGFB2 protein function with a negative predictive value of 80%. In summary, the available evidence is currently insufficient to determine the role of this variant in disease. Therefore, it has been classified as a Variant of Uncertain Significance.

NM_003238.6(TGFB2):c.307G>A (p.Val103Ile)

Gene: TGFB2 (transforming growth factor beta 2; plus strand). Cytogenetic location: 1q41.
Variant type: single nucleotide variant.
Coding change: c.307G>A on transcript NM_003238.6 (MANE Select); coding-DNA position 307, G replaced by A.
Protein change: p.Val103Ile; replaces valine 103 with isoleucine.
Molecular consequence: missense variant. On other transcripts: non-coding transcript variant (2).
Genome position (GRCh38, 1-based): chr1:218,347,008, G>A. VCF-style: chr1-218347008-G-A. GRCh37 (hg19) VCF-style: chr1-218520350-G-A.
Other names: c.307G>A, p.Val103Ile (NM_001135599.4); short protein forms V103I.
Identifiers: ClinVar variation 3714035 (VCV003714035.2).